The following is an entry in ClinVar:

NM_000492.4(CFTR):c.487A>G (p.Lys163Glu)

Gene: CFTR (CF transmembrane conductance regulator; plus strand). Cytogenetic location: 7q31.2.
Variant type: single nucleotide variant.
Coding change: c.487A>G on transcript NM_000492.4 (MANE Select); coding-DNA position 487, A replaced by G.
Protein change: p.Lys163Glu; replaces lysine 163 with glutamic acid.
Molecular consequence: missense variant.
Genome position (GRCh38, 1-based): chr7:117,531,112, A>G. VCF-style: chr7-117531112-A-G. GRCh37 (hg19) VCF-style: chr7-117171166-A-G.
Other names: short protein forms K163E.
Identifiers: ClinVar variation 858501 (VCV000858501.9), dbSNP rs1798858347, ClinGen allele CA368975228.

ClinVar aggregate classification (germline): Pathogenic (1 of 4 stars; one submission).

Conditions:
Cystic fibrosis (CF). Also called: MUCOVISCIDOSIS. Identifiers: Orphanet 586, MedGen C0010674, MONDO:0009061, OMIM 219700. Disease mechanism: loss of function.

Submission:

Labcorp Genetics (formerly Invitae), Labcorp
Classification: Pathogenic for Cystic fibrosis. Last evaluated: 2024-03-29. Review status: criteria provided, single submitter. Criteria: Invitae Variant Classification Sherloc (09022015). Collection method: clinical testing. Allele origin: germline.
Comment: This sequence change replaces lysine, which is basic and polar, with glutamic acid, which is acidic and polar, at codon 163 of the CFTR protein (p.Lys163Glu). This variant is not present in population databases (gnomAD no frequency). This missense change has been observed in individual(s) with cystic fibrosis (PMID: 28546993; Invitae). In at least one individual the data is consistent with being in trans (on the opposite chromosome) from a pathogenic variant. It has also been observed to segregate with disease in related individuals. ClinVar contains an entry for this variant (Variation ID: 858501). An algorithm developed to predict the effect of missense changes on protein structure and function (PolyPhen-2) suggests that this variant is likely to be disruptive. Algorithms developed to predict the effect of sequence changes on RNA splicing suggest that this variant may disrupt the consensus splice site. For these reasons, this variant has been classified as Pathogenic.

Literature cited by the submitters: PubMed 28546993.